The following is an entry in ClinVar:

ClinVar aggregate classification (germline): Pathogenic/Likely pathogenic. Review status: criteria provided, multiple submitters, no conflicts (2 of 4 stars). 3 submissions from 3 submitters: Pathogenic (1); Likely pathogenic (2). Last evaluated 2025-11-12.

Conditions:
Autosomal dominant and autosomal recessive FLG-related disorders.
Ichthyosis vulgaris. Also called: ICHTHYOSIS SIMPLEX; Dominant ichthyosis vulgaris. Identifiers: MedGen C0079584, MONDO:0024304, OMIM 146700.

Submissions (3):

GeneDx
Classification: Pathogenic. Last evaluated: 2025-11-12. Review status: criteria provided, single submitter. Criteria: GeneDx Variant Classification Process June 2021. Collection method: clinical testing. Allele origin: germline.
Comment: Identified in a cohort of patients with phenotypes ranging from atopic dermatitis to ichthyosis vulgaris in the published literature. The individual who harbored this variant also harbored a second heterozygous variant in the FLG gene (PMID: 32018027); Frameshift variant predicted to result in abnormal protein length as the last 711 amino acids are replaced with 38 different amino acids, and other similar variants have been reported in HGMD; This variant is associated with the following publications: (PMID: 32018027, 16444271)

Variantyx, Inc.
Classification: Likely pathogenic for Autosomal dominant and autosomal recessive FLG-related disorders. Last evaluated: 2025-10-30. Review status: criteria provided, single submitter. Criteria: Variantyx Assertion Criteria 2022. Collection method: clinical testing. Allele origin: germline. Inheritance: Semidominant inheritance. Affected: no.
Comment: This is a frameshift variant in the FLG gene (OMIM: 135940). Pathogenic variants in this gene have been associated with autosomal semidominant FLG-related disorders. This variant introduces a premature termination codon in exon 3 out of 3 and is expected to result in loss of function, which is a known disease mechanism for FLG in this disorder (PMID: 16444271, 27793761, 27667308) (PVS1). This variant has a 0.0025% maximum allele frequency in non-founder control populations (PM2). Based on the current evidence, this variant is classified as likely pathogenic for autosomal semidominant FLG-related disorders.

Revvity Omics, Revvity
Classification: Likely pathogenic for Ichthyosis vulgaris. Last evaluated: 2021-08-30. Review status: criteria provided, single submitter. Criteria: ACMG Guidelines, 2015. Collection method: clinical testing. Allele origin: germline.

Literature cited by the submitters: PubMed 16444271 (cited by Variantyx, Inc.); PubMed 27793761 (cited by Variantyx, Inc.); PubMed 27667308 (cited by Variantyx, Inc.).

NM_002016.2(FLG):c.10051_10054del (p.Asp3351fs)

Genes: CCDST (cervical cancer associated DHX9 suppressive transcript; plus strand), FLG (filaggrin; minus strand). Cytogenetic location: 1q21.3.
Variant type: Deletion.
Coding change: c.10051_10054del on transcript NM_002016.2 (MANE Select); coding-DNA positions 10051 to 10054, 4 bases deleted (GACA; older notation c.10051_10054delGACA).
Protein change: p.Asp3351fs; shifts the reading frame from aspartic acid 3351.
Molecular consequence: frameshift variant.
Genome position (GRCh38, 1-based): chr1:152,304,832-152,304,835, TGTC deleted on the plus strand (GACA on the coding strand, the reverse complement: FLG is on the minus strand); deleting any 4 consecutive bases within chr1:152,304,832-152,304,837 gives the same sequence; the c. name uses the placement nearest the transcript's 3' end. VCF-style (leftmost placement, unchanged base first): chr1-152304831-GTGTC-G. GRCh37 (hg19) VCF-style: chr1-152277307-GTGTC-G.
Other names: c.10051_10054del (NM_002016.1); short protein forms D3351fs.
Identifiers: ClinVar variation 1324414 (VCV001324414.6), dbSNP rs746608568, ClinGen allele CA1103564.
Genomic context (GRCh38, chr1:152,304,831, plus strand): 5'-GCGGACTCTTGGTGGCTCTGCTGATGGGGCCCAGCCTGTCCATGGCCTGACACTGACTGT[GTGTC>G]TGACTCTTCTGAATGTCCCTCACTATCACTGGCCTGACTACCACTGGACCCCCAGTGTCT-3'